The following is an entry in ClinVar:

NM_000576.3(IL1B):c.760A>G (p.Lys254Glu)

Gene: IL1B (interleukin 1 beta; minus strand). Cytogenetic location: 2q14.1.
Variant type: single nucleotide variant.
Coding change: c.760A>G on transcript NM_000576.3 (MANE Select); coding-DNA position 760, A replaced by G.
Protein change: p.Lys254Glu; replaces lysine 254 with glutamic acid.
Molecular consequence: missense variant.
Genome position (GRCh38, 1-based): chr2:112,830,411, T>C on the plus strand (A>G on the coding strand, the complement: IL1B is on the minus strand). VCF-style: chr2-112830411-T-C. GRCh37 (hg19) VCF-style: chr2-113587988-T-C.
Other names: short protein forms K254E.
Identifiers: ClinVar variation 4874468 (VCV004874468.2).

ClinVar aggregate classification (germline): Uncertain significance (1 of 4 stars; one submission).

Submission:

CeGaT Center for Human Genetics Tuebingen
Classification: Uncertain significance. Last evaluated: 2026-04-01. Review status: criteria provided, single submitter. Criteria: CeGaT Center For Human Genetics Tuebingen Variant Classification Criteria Version 2. Collection method: clinical testing. Allele origin: germline. Affected: yes. Observed: 1 variant allele.
Comment: IL1B: PM2, PS2:Supporting, BP4